The following is an entry in ClinVar:

NM_052947.4(ALPK2):c.395A>G (p.His132Arg)

Gene: ALPK2 (alpha kinase 2; minus strand). Cytogenetic location: 18q21.31.
Variant type: single nucleotide variant.
Coding change: c.395A>G on transcript NM_052947.4 (MANE Select); coding-DNA position 395, A replaced by G.
Protein change: p.His132Arg; replaces histidine 132 with arginine.
Molecular consequence: missense variant.
Genome position (GRCh38, 1-based): chr18:58,580,381, T>C on the plus strand (A>G on the coding strand, the complement: ALPK2 is on the minus strand). VCF-style: chr18-58580381-T-C. GRCh37 (hg19) VCF-style: chr18-56247613-T-C.
Other names: short protein forms H132R.
Identifiers: ClinVar variation 1736492 (VCV001736492.3), dbSNP rs2518900312, ClinGen allele CA402568072.

ClinVar aggregate classification (germline): Uncertain significance (1 of 4 stars; one submission).

Submission:

Ambry Genetics
Classification: Uncertain significance. Last evaluated: 2024-09-08. Review status: criteria provided, single submitter. Criteria: Ambry Variant Classification Scheme 2023. Collection method: clinical testing. Allele origin: germline.
Comment: The p.H132R variant (also known as c.395A>G), located in coding exon 3 of the ALPK2 gene, results from an A to G substitution at nucleotide position 395. The histidine at codon 132 is replaced by arginine, an amino acid with highly similar properties. This amino acid position is conserved. In addition, this alteration is predicted to be tolerated by in silico analysis. Since supporting evidence is limited at this time, the clinical significance of this alteration remains unclear.